The following is an entry in ClinVar:

NM_003482.4(KMT2D):c.2481A>C (p.Gln827His)

Gene: KMT2D (lysine methyltransferase 2D; minus strand). Cytogenetic location: 12q13.12.
Variant type: single nucleotide variant.
Coding change: c.2481A>C on transcript NM_003482.4 (MANE Select); coding-DNA position 2481, A replaced by C.
Protein change: p.Gln827His; replaces glutamine 827 with histidine.
Molecular consequence: missense variant.
Genome position (GRCh38, 1-based): chr12:49,051,202, T>G on the plus strand (A>C on the coding strand, the complement: KMT2D is on the minus strand). VCF-style: chr12-49051202-T-G. GRCh37 (hg19) VCF-style: chr12-49444985-T-G.
Other names: c.2481A>C (NM_003482.3); short protein forms Q827H.
Identifiers: ClinVar variation 1174664 (VCV001174664.10), dbSNP rs748254982, ClinGen allele CA384665714.

ClinVar aggregate classification (germline): Uncertain significance. Review status: criteria provided, multiple submitters, no conflicts (2 of 4 stars). 4 submissions from 4 submitters: Uncertain significance (2). 2 of the submissions do not count toward it. Last evaluated 2024-08-15.

Conditions:
Inborn genetic diseases. Identifiers: MedGen C0950123, MeSH D030342.
Kabuki syndrome. Also called: Kabuki make-up syndrome; NIIKAWA-KUROKI SYNDROME. Identifiers: Orphanet 2322, MedGen C0796004, MONDO:0016512.

Allele frequency attached by ClinVar (database versions not stated): gnomAD 0.00002 and 0.00003.

Submissions (4):

Labcorp Genetics (formerly Invitae), Labcorp
Classification: Uncertain significance for Kabuki syndrome. Last evaluated: 2024-08-15. Review status: criteria provided, single submitter. Criteria: Invitae Variant Classification Sherloc (09022015). Collection method: clinical testing. Allele origin: germline.
Comment: This sequence change replaces glutamine, which is neutral and polar, with histidine, which is basic and polar, at codon 827 of the KMT2D protein (p.Gln827His). This variant is present in population databases (no rsID available, gnomAD 0.02%). This variant has not been reported in the literature in individuals affected with KMT2D-related conditions. ClinVar contains an entry for this variant (Variation ID: 1174664). Invitae Evidence Modeling of protein sequence and biophysical properties (such as structural, functional, and spatial information, amino acid conservation, physicochemical variation, residue mobility, and thermodynamic stability) indicates that this missense variant is not expected to disrupt KMT2D protein function with a negative predictive value of 95%. In summary, the available evidence is currently insufficient to determine the role of this variant in disease. Therefore, it has been classified as a Variant of Uncertain Significance.

Ambry Genetics
Classification: Uncertain significance for Inborn genetic diseases. Last evaluated: 2021-08-23. Review status: criteria provided, single submitter. Criteria: Ambry Variant Classification Scheme 2023. Collection method: clinical testing. Allele origin: germline.

Diagnostic Laboratory, Department of Genetics, University Medical Center Groningen
Classification: Uncertain significance. Review status: no assertion criteria provided. Collection method: clinical testing. Allele origin: germline. Affected: yes. Study: VKGL Data-share Consensus. Not counted in ClinVar's aggregate classification.

Laboratory of Diagnostic Genome Analysis, Leiden University Medical Center (LUMC)
Classification: Uncertain significance. Review status: no assertion criteria provided. Collection method: clinical testing. Allele origin: germline. Affected: yes. Study: VKGL Data-share Consensus. Not counted in ClinVar's aggregate classification.